The following is an entry in ClinVar:

NM_001376571.1(MADD):c.584C>A (p.Thr195Asn)

Gene: MADD (MAP kinase activating death domain; plus strand). Cytogenetic location: 11p11.2.
Variant type: single nucleotide variant.
Coding change: c.584C>A on transcript NM_001376571.1 (MANE Select); coding-DNA position 584, C replaced by A.
Protein change: p.Thr195Asn; replaces threonine 195 with asparagine.
Molecular consequence: missense variant. On other transcripts: non-coding transcript variant (8), intron variant (1).
Genome position (GRCh38, 1-based): chr11:47,275,084, C>A. VCF-style: chr11-47275084-C-A. GRCh37 (hg19) VCF-style: chr11-47296635-C-A.
Other names: c.584C>A, p.Thr195Asn (NM_001135943.2, NM_001135944.2, NM_001376572.1 and 80 more transcripts); c.380C>A, p.Thr127Asn (NM_001376620.1, NM_001376626.1, NM_001376627.1 and 9 more transcripts); c.-7-815C>A (NM_001376663.1); short protein forms T127N, T195N.
Identifiers: ClinVar variation 3392704 (VCV003392704.1).

ClinVar aggregate classification (germline): Uncertain significance (1 of 4 stars; one submission).

gnomAD v4.1: 9 of 1,614,136 alleles (0.00056%); highest among the groups gnomAD compares: Admixed American, 0.005%; no homozygotes.

Submission:

GeneDx
Classification: Uncertain significance. Last evaluated: 2024-06-24. Review status: criteria provided, single submitter. Criteria: GeneDx Variant Classification Process June 2021. Collection method: clinical testing. Allele origin: germline. Affected: yes.
Comment: Not observed at significant frequency in large population cohorts (gnomAD); In silico analysis supports that this missense variant has a deleterious effect on protein structure/function; Has not been previously published as pathogenic or benign to our knowledge